The following is an entry in ClinVar:

ClinVar aggregate classification (germline): Uncertain significance (1 of 4 stars; one submission).

gnomAD v4.1: 9 of 1,613,510 alleles (0.00056%); highest among the groups gnomAD compares: African/African-American, 0.0013%; no homozygotes.

Submission:

Labcorp Genetics (formerly Invitae), Labcorp
Classification: Uncertain significance. Last evaluated: 2024-07-19. Review status: criteria provided, single submitter. Criteria: Invitae Variant Classification Sherloc (09022015). Collection method: clinical testing. Allele origin: germline.
Comment: This sequence change replaces leucine, which is neutral and non-polar, with phenylalanine, which is neutral and non-polar, at codon 33 of the GPR45 protein (p.Leu33Phe). This variant is not present in population databases (gnomAD no frequency). This variant has not been reported in the literature in individuals affected with GPR45-related conditions. An algorithm developed to predict the effect of missense changes on protein structure and function outputs the following: PolyPhen-2: "Benign". The phenylalanine amino acid residue is found in multiple mammalian species, which suggests that this missense change does not adversely affect protein function. In summary, the available evidence is currently insufficient to determine the role of this variant in disease. Therefore, it has been classified as a Variant of Uncertain Significance.

NM_007227.3(GPR45):c.97C>T (p.Leu33Phe)

Gene: GPR45 (G protein-coupled receptor 45; plus strand). Cytogenetic location: 2q12.1.
Variant type: single nucleotide variant.
Coding change: c.97C>T on transcript NM_007227.3 (MANE Select); coding-DNA position 97, C replaced by T.
Protein change: p.Leu33Phe; replaces leucine 33 with phenylalanine.
Molecular consequence: missense variant.
Genome position (GRCh38, 1-based): chr2:105,241,955, C>T. VCF-style: chr2-105241955-C-T. GRCh37 (hg19) VCF-style: chr2-105858412-C-T.
Other names: short protein forms L33F.
Identifiers: ClinVar variation 3631245 (VCV003631245.2).
Genomic context (GRCh38, chr2:105,241,955, plus strand): 5'-TACCTGCTGCTGAACACCAGCAACGCCTCAGACTCGGGGTCCACCCAGTTGCCCGCACCC[C>T]TCAGGATCTCCTTGGCCATAGTGATGCTGCTGATGACCGTGGTGGGGTTCCTGGGCAACA-3'
Protein context (NP_009158.3, residues 23-43): DSGSTQLPAP[Leu33Phe]RISLAIVMLL